The following is an entry in ClinVar:

NM_001903.5(CTNNA1):c.1138A>G (p.Arg380Gly)

Gene: CTNNA1 (catenin alpha 1; plus strand). Cytogenetic location: 5q31.2.
Variant type: single nucleotide variant.
Coding change: c.1138A>G on transcript NM_001903.5 (MANE Select); coding-DNA position 1138, A replaced by G.
Protein change: p.Arg380Gly; replaces arginine 380 with glycine.
Molecular consequence: missense variant. On other transcripts: 5 prime UTR variant (5), intron variant (2).
Genome position (GRCh38, 1-based): chr5:138,886,287, A>G. VCF-style: chr5-138886287-A-G. GRCh37 (hg19) VCF-style: chr5-138221976-A-G.
Other names: c.1138A>G, p.Arg380Gly (NM_001290307.3, NM_001323982.2, NM_001323983.1 and 3 more transcripts); c.829A>G, p.Arg277Gly (NM_001290309.3); c.769A>G, p.Arg257Gly (NM_001290310.3); c.28A>G, p.Arg10Gly (NM_001290312.1, NM_001323987.1, NM_001323988.1 and 18 more transcripts); c.-370A>G (NM_001324006.1, NM_001324007.1, NM_001324008.1 and 1 more transcripts); c.-245A>G (NM_001324013.1); c.-58+10690A>G (NM_001324012.1); c.-61+10690A>G (NM_001324010.1); short protein forms R277G, R380G, R257G, R10G.
Identifiers: ClinVar variation 4743978 (VCV004743978.1).

ClinVar aggregate classification (germline): Uncertain significance (1 of 4 stars; one submission).

Submission:

Labcorp Genetics (formerly Invitae), Labcorp
Classification: Uncertain significance. Last evaluated: 2025-07-10. Review status: criteria provided, single submitter. Criteria: Invitae Variant Classification Sherloc (09022015). Collection method: clinical testing. Allele origin: germline.
Comment: This sequence change replaces arginine, which is basic and polar, with glycine, which is neutral and non-polar, at codon 380 of the CTNNA1 protein (p.Arg380Gly). This variant is not present in population databases (gnomAD no frequency). This variant has not been reported in the literature in individuals affected with CTNNA1-related conditions. Invitae Evidence Modeling of protein sequence and biophysical properties (such as structural, functional, and spatial information, amino acid conservation, physicochemical variation, residue mobility, and thermodynamic stability) indicates that this missense variant is not expected to disrupt CTNNA1 protein function with a negative predictive value of 80%. In summary, the available evidence is currently insufficient to determine the role of this variant in disease. Therefore, it has been classified as a Variant of Uncertain Significance.